The following is an entry in ClinVar:

ClinVar aggregate classification (germline): Conflicting classifications of pathogenicity. Review status: criteria provided, conflicting classifications (1 of 4 stars). 4 submissions from 4 submitters: Uncertain significance (2); Likely benign (1). 1 of the submissions does not count toward it. Last evaluated 2025-10-06.

Conditions:
Short-rib thoracic dysplasia 7 with or without polydactyly (SRTD7). Also called: Short rib polydactyly syndrome 5; SHORT-RIB THORACIC DYSPLASIA 7 WITH POLYDACTYLY. Identifiers: Orphanet 498497, Orphanet 93271, MedGen C3279792, MONDO:0013569, OMIM 614091.
Cranioectodermal dysplasia 2 (CED2). Identifiers: Orphanet 1515, MedGen C3150874, MONDO:0013323, OMIM 613610.
WDR35-related disorder. Also called: WDR35-related condition; WDR35-related disorders. Identifiers: MedGen CN239419.
Inborn genetic diseases. Identifiers: MedGen C0950123, MeSH D030342.

Allele frequency attached by ClinVar (database versions not stated): gnomAD exomes 0.00008 and 0.00023; ExAC 0.00026; 1000 Genomes Project 0.00080; gnomAD 0.00089 and 0.00097; 1000 Genomes Project 30x 0.00094; TOPMed 0.00108; ESP Exome Variant Server 0.00131.
gnomAD v4.1: 265 of 1,614,158 alleles (0.016%); highest among the groups gnomAD compares: African/African-American, 0.32%; no homozygotes.

Submissions (4):

Labcorp Genetics (formerly Invitae), Labcorp
Classification: Likely benign for Cranioectodermal dysplasia 2; Short-rib thoracic dysplasia 7 with or without polydactyly. Last evaluated: 2025-10-06. Review status: criteria provided, single submitter. Criteria: Invitae Variant Classification Sherloc (09022015). Collection method: clinical testing. Allele origin: germline.

Ambry Genetics
Classification: Uncertain significance for Inborn genetic diseases. Last evaluated: 2025-03-27. Review status: criteria provided, single submitter. Criteria: Ambry Variant Classification Scheme 2023. Collection method: clinical testing. Allele origin: germline.

ARUP Laboratories, Molecular Genetics and Genomics, ARUP Laboratories
Classification: Uncertain significance. Last evaluated: 2024-02-29. Review status: criteria provided, single submitter. Criteria: ARUP Molecular Germline Variant Investigation Process 2024. Collection method: clinical testing. Allele origin: germline.
Comment: The WDR35 c.3368A>G p.Lys1123Arg variant (rs138007924), to our knowledge, is not reported in the medical literature but is reported in ClinVar (Variation ID: 440416). This variant is found in the African-American population with an allele frequency of 0.32% (74/24,512 alleles) in the Genome Aggregation Database (v2.1.1). Computational analyses predict that this variant is neutral (REVEL: 0.023). However, given the lack of clinical and functional data, the significance of this variant is uncertain at this time.

PreventionGenetics, part of Exact Sciences
Classification: Likely benign for WDR35-related condition. Last evaluated: 2022-02-09. Review status: no assertion criteria provided. Collection method: clinical testing. Allele origin: germline. Not counted in ClinVar's aggregate classification.
Comment: This variant is classified as likely benign based on ACMG/AMP sequence variant interpretation guidelines (Richards et al. 2015 PMID: 25741868, with internal and published modifications).

NM_020779.4(WDR35):c.3335A>G (p.Lys1112Arg)

Gene: WDR35 (WD repeat domain 35; minus strand). Cytogenetic location: 2p24.1.
Variant type: single nucleotide variant.
Coding change: c.3335A>G on transcript NM_020779.4 (MANE Select); coding-DNA position 3335, A replaced by G.
Protein change: p.Lys1112Arg; replaces lysine 1112 with arginine.
Molecular consequence: missense variant.
Genome position (GRCh38, 1-based): chr2:19,914,064, T>C on the plus strand (A>G on the coding strand, the complement: WDR35 is on the minus strand). VCF-style: chr2-19914064-T-C. GRCh37 (hg19) VCF-style: chr2-20113825-T-C.
Other names: c.3368A>G, p.Lys1123Arg (NM_001006657.2); short protein forms K1123R, K1112R.
Identifiers: ClinVar variation 440416 (VCV000440416.22), dbSNP rs138007924, ClinGen allele CA1542695.
Genomic context (GRCh38, chr2:19,914,064, plus strand): 5'-TAGAATGGCATCCACTAATTAAAATTAGCCTACCCTTCCATAAGGCTGTCCAATTCAGGT[T>C]TTCTGTTATCTTTTGAAGTATGTTTGGTGAAGATTTCTAAAGCAAGGTCTTCATACTGCT-3'
Protein context (NP_065830.2, residues 1102-1122): FTKHTSKDNR[Lys1112Arg]PELDSLMEGG